The following is an entry in ClinVar:

ClinVar aggregate classification (germline): Conflicting classifications of pathogenicity. Review status: criteria provided, conflicting classifications (1 of 4 stars). 6 submissions from 6 submitters: Uncertain significance (1); Likely benign (5). Last evaluated 2026-01-05.

Conditions:
Naxos disease (NXD). Also called: KERATOSIS PALMOPLANTARIS WITH ARRHYTHMOGENIC CARDIOMYOPATHY; MAL DE NAXOS; PALMOPLANTAR KERATODERMA WITH ARRHYTHMOGENIC RIGHT VENTRICULAR CARDIOMYOPATHY AND WOOLLY HAIR; WOOLLY HAIR, PALMOPLANTAR KERATODERMA, AND CARDIAC ABNORMALITIES; CARDIOMYOPATHY, ARRHYTHMOGENIC RIGHT VENTRICULAR, WITH SKIN, HAIR, AND NAIL ABNORMALITIES. Identifiers: Orphanet 34217, MedGen C1832600, MONDO:0011017, OMIM 601214.
Arrhythmogenic right ventricular dysplasia 12. Also called: ARRHYTHMOGENIC RIGHT VENTRICULAR DYSPLASIA, FAMILIAL, 12. Identifiers: MedGen C1969081, MONDO:0012684, OMIM 611528.
Cardiomyopathy (CMYO). Also called: Cardiomyopathies. Identifiers: Orphanet 167848, MedGen C0878544, MONDO:0004994, HP:0001638. Inheritance: Various modes of inheritance.

Allele frequency attached by ClinVar (database versions not stated): gnomAD exomes below 0.00001 and 0.00001; ExAC 0.00001; TOPMed 0.00002.
gnomAD v4.1: 15 of 1,581,556 alleles (0.00095%); highest among the groups gnomAD compares: Non-Finnish European, 0.00087%; no homozygotes.

Submissions (6):

Labcorp Genetics (formerly Invitae), Labcorp
Classification: Likely benign for Arrhythmogenic right ventricular dysplasia 12; Naxos disease. Last evaluated: 2026-01-05. Review status: criteria provided, single submitter. Criteria: Invitae Variant Classification Sherloc (09022015). Collection method: clinical testing. Allele origin: germline.

Women's Health and Genetics/Laboratory Corporation of America, LabCorp
Classification: Likely benign. Last evaluated: 2025-04-23. Review status: criteria provided, single submitter. Criteria: LabCorp Variant Classification Summary - May 2015. Collection method: clinical testing. Allele origin: germline.

ARUP Laboratories, Molecular Genetics and Genomics, ARUP Laboratories
Classification: Likely benign. Last evaluated: 2024-07-25. Review status: criteria provided, single submitter. Criteria: ARUP Molecular Germline Variant Investigation Process 2024. Collection method: clinical testing. Allele origin: germline.

CHEO Genetics Diagnostic Laboratory, Children's Hospital of Eastern Ontario
Classification: Uncertain significance for Cardiomyopathy. Last evaluated: 2022-01-17. Review status: criteria provided, single submitter. Criteria: ACMG Guidelines, 2015. Collection method: clinical testing. Allele origin: germline.

Blueprint Genetics
Classification: Likely benign. Last evaluated: 2021-08-04. Review status: criteria provided, single submitter. Criteria: ACMG Guidelines, 2015. Collection method: clinical testing. Allele origin: germline.

GeneDx
Classification: Likely benign. Last evaluated: 2016-04-18. Review status: criteria provided, single submitter. Criteria: GeneDx Variant Classification (06012015). Collection method: clinical testing. Allele origin: germline. Affected: yes.
Comment: This variant is considered likely benign or benign based on one or more of the following criteria: it is a conservative change, it occurs at a poorly conserved position in the protein, it is predicted to be benign by multiple in silico algorithms, and/or has population frequency not consistent with disease.

NM_002230.4(JUP):c.708-6C>T

Gene: JUP (junction plakoglobin; minus strand). Cytogenetic location: 17q21.2.
Variant type: single nucleotide variant.
Coding change: c.708-6C>T on transcript NM_002230.4 (MANE Select); 6 bases into the intron before coding-DNA position 708, C replaced by T.
Molecular consequence: intron variant.
Genome position (GRCh38, 1-based): chr17:41,767,586, G>A on the plus strand (C>T on the coding strand, the complement: JUP is on the minus strand). VCF-style: chr17-41767586-G-A. GRCh37 (hg19) VCF-style: chr17-39923838-G-A.
Other names: c.708-6C>T (NM_001352774.2, NM_021991.4, NM_001352776.2 and 3 more transcripts).
Identifiers: ClinVar variation 380617 (VCV000380617.17), dbSNP rs782704213, ClinGen allele CA8565392.